The following is an entry in ClinVar:

ClinVar aggregate classification (germline): Uncertain significance. Review status: criteria provided, multiple submitters, no conflicts (2 of 4 stars). 2 submissions from 2 submitters: Uncertain significance (2). Last evaluated 2025-09-10.

Conditions:
Hereditary spherocytosis type 2. Also called: SPHEROCYTOSIS, TYPE 2, AUTOSOMAL DOMINANT. Identifiers: Orphanet 822, MedGen C2674219, MONDO:0000913, OMIM 616649.

gnomAD v4.1: 9 of 1,614,148 alleles (0.00056%); highest among the groups gnomAD compares: South Asian, 0.0044%; no homozygotes.

Submissions (2):

Genomic Medicine Center of Excellence, King Faisal Specialist Hospital and Research Centre
Classification: Uncertain significance for Hereditary spherocytosis type 2. Last evaluated: 2025-09-10. Review status: criteria provided, single submitter. Criteria: ACMG Guidelines, 2015. Collection method: clinical testing. Allele origin: germline.

Labcorp Genetics (formerly Invitae), Labcorp
Classification: Uncertain significance. Last evaluated: 2025-09-09. Review status: criteria provided, single submitter. Criteria: Invitae Variant Classification Sherloc (09022015). Collection method: clinical testing. Allele origin: germline.
Comment: This sequence change replaces isoleucine, which is neutral and non-polar, with valine, which is neutral and non-polar, at codon 467 of the SPTB protein (p.Ile467Val). This variant is present in population databases (no rsID available, gnomAD 0.003%). This variant has not been reported in the literature in individuals affected with SPTB-related conditions. An algorithm developed to predict the effect of missense changes on protein structure and function (PolyPhen-2) suggests that this variant is likely to be disruptive. In summary, the available evidence is currently insufficient to determine the role of this variant in disease. Therefore, it has been classified as a Variant of Uncertain Significance.

NM_001355436.2(SPTB):c.1399A>G (p.Ile467Val)

Gene: SPTB (spectrin beta, erythrocytic; minus strand). Cytogenetic location: 14q23.3.
Variant type: single nucleotide variant.
Coding change: c.1399A>G on transcript NM_001355436.2 (MANE Select); coding-DNA position 1399, A replaced by G.
Protein change: p.Ile467Val; replaces isoleucine 467 with valine.
Molecular consequence: missense variant.
Genome position (GRCh38, 1-based): chr14:64,795,582, T>C on the plus strand (A>G on the coding strand, the complement: SPTB is on the minus strand). VCF-style: chr14-64795582-T-C. GRCh37 (hg19) VCF-style: chr14-65262300-T-C.
Other names: c.1399A>G, p.Ile467Val (NM_001024858.4, NM_001355437.2); short protein forms I467V.
Identifiers: ClinVar variation 4277753 (VCV004277753.2).